The following is an entry in ClinVar:

ClinVar aggregate classification (germline): Likely benign (1 of 4 stars; one submission).

Allele frequency attached by ClinVar (database versions not stated): gnomAD 0.00001; TOPMed 0.00001.
gnomAD v4.1: 1 of 1,593,096 alleles (0.000063%); highest among the groups gnomAD compares: African/African-American, 0.0013%; no homozygotes.

Submission:

GeneDx
Classification: Likely benign. Last evaluated: 2017-08-04. Review status: criteria provided, single submitter. Criteria: GeneDx Variant Classification (06012015). Collection method: clinical testing. Allele origin: germline. Affected: yes.
Comment: This variant is considered likely benign or benign based on one or more of the following criteria: it is a conservative change, it occurs at a poorly conserved position in the protein, it is predicted to be benign by multiple in silico algorithms, and/or has population frequency not consistent with disease.

NM_000507.4(FBP1):c.170+7C>G

Gene: FBP1 (fructose-bisphosphatase 1; minus strand). Cytogenetic location: 9q22.32.
Variant type: single nucleotide variant.
Coding change: c.170+7C>G on transcript NM_000507.4 (MANE Select); 7 bases into the intron after coding-DNA position 170, C replaced by G.
Molecular consequence: intron variant.
Genome position (GRCh38, 1-based): chr9:94,639,134, G>C on the plus strand (C>G on the coding strand, the complement: FBP1 is on the minus strand). VCF-style: chr9-94639134-G-C. GRCh37 (hg19) VCF-style: chr9-97401416-G-C.
Other names: c.170+7C>G (NM_001127628.2).
Identifiers: ClinVar variation 510982 (VCV000510982.1), dbSNP rs775805059, ClinGen allele CA196572131.
Genomic context (GRCh38, chr9:94,639,134, plus strand): 5'-CAGCCCGCCGGGCAGGCTCCCCAGGCAGACAGACAGGACGGGGCCCACCGCCCAAGGCCC[G>C]ACTCACAGGTGCGCGATGCCCGCCTTGCGCACCGCCGAAGAGATGGCTTTGACTGCTGTG-3'